The following is an entry in ClinVar:

ClinVar aggregate classification (germline): Benign. Review status: criteria provided, multiple submitters, no conflicts (2 of 4 stars). 3 submissions from 3 submitters: Benign (3). Last evaluated 2021-04-07.

Allele frequency attached by ClinVar (database versions not stated): ESP Exome Variant Server 0.34323; 1000 Genomes Project 30x 0.30403; 1000 Genomes Project 0.30411; gnomAD 0.33309 and 0.32777; gnomAD exomes 0.28383 and 0.27351; ExAC 0.27983; TOPMed 0.32541.
gnomAD v4.1: 464,400 of 1,613,292 alleles (29%); highest among the groups gnomAD compares: African/African-American, 47%; 69,837 homozygotes.

Submissions (3):

Mayo Clinic Laboratories, Mayo Clinic
Classification: Benign. Last evaluated: 2021-04-07. Review status: criteria provided, single submitter. Criteria: ACMG Guidelines, 2015. Collection method: clinical testing. Allele origin: germline. Observed: 14 variant alleles.

GeneDx
Classification: Benign. Last evaluated: 2015-12-02. Review status: criteria provided, single submitter. Criteria: GeneDx Variant Classification (06012015). Collection method: clinical testing. Allele origin: germline. Affected: yes.
Comment: This variant is considered likely benign or benign based on one or more of the following criteria: it is a conservative change, it occurs at a poorly conserved position in the protein, it is predicted to be benign by multiple in silico algorithms, and/or has population frequency not consistent with disease.

Breakthrough Genomics
Classification: Benign. Review status: criteria provided, single submitter. Criteria: ACMG Guidelines, 2015. Collection method: not provided. Allele origin: germline. Inheritance: Autosomal recessive inheritance. Affected: yes.

NM_013391.3(DMGDH):c.1815-9A>G

Gene: DMGDH (dimethylglycine dehydrogenase; minus strand). Cytogenetic location: 5q14.1.
Variant type: single nucleotide variant.
Coding change: c.1815-9A>G on transcript NM_013391.3 (MANE Select); 9 bases into the intron before coding-DNA position 1815, A replaced by G.
Molecular consequence: intron variant.
Genome position (GRCh38, 1-based): chr5:79,028,659, T>C on the plus strand (A>G on the coding strand, the complement: DMGDH is on the minus strand). VCF-style: chr5-79028659-T-C. GRCh37 (hg19) VCF-style: chr5-78324482-T-C.
Other names: p.?.
Identifiers: ClinVar variation 380065 (VCV000380065.3), dbSNP rs2303129, ClinGen allele CA3318608.